The following is an entry in ClinVar:

ClinVar aggregate classification (germline): Uncertain significance. Review status: criteria provided, multiple submitters, no conflicts (2 of 4 stars). 2 submissions from 2 submitters: Uncertain significance (2). Last evaluated 2024-06-30.

Conditions:
Cardiomyopathy (CMYO). Also called: Cardiomyopathies. Identifiers: Orphanet 167848, MedGen C0878544, MONDO:0004994, HP:0001638. Inheritance: Various modes of inheritance.
Cardiovascular phenotype. Identifiers: MedGen CN230736.

Allele frequency attached by ClinVar (database versions not stated): TOPMed below 0.00001; gnomAD 0.00001.

Submissions (2):

Color Diagnostics, LLC DBA Color Health
Classification: Uncertain significance for Cardiomyopathy. Last evaluated: 2024-06-30. Review status: criteria provided, single submitter. Criteria: ACMG Guidelines, 2015. Collection method: clinical testing. Allele origin: germline.
Comment: This missense variant replaces phenylalanine with leucine at codon 942 of the MYBPC3 protein. Computational prediction suggests that this variant may not impact protein structure and function (internally defined REVEL score threshold <= 0.5, PMID: 27666373). To our knowledge, functional studies have not been reported for this variant. This variant has not been reported in individuals affected with MYBPC3-related disorders in the literature. This variant has not been identified in the general population by the Genome Aggregation Database (gnomAD). The available evidence is insufficient to determine the role of this variant in disease conclusively. Therefore, this variant is classified as a Variant of Uncertain Significance.

Ambry Genetics
Classification: Uncertain significance for Cardiovascular phenotype. Last evaluated: 2021-12-23. Review status: criteria provided, single submitter. Criteria: Ambry Variant Classification Scheme 2023. Collection method: clinical testing. Allele origin: germline.
Comment: The p.F942L variant (also known as c.2826C>G), located in coding exon 27 of the MYBPC3 gene, results from a C to G substitution at nucleotide position 2826. The phenylalanine at codon 942 is replaced by leucine, an amino acid with highly similar properties. This amino acid position is conserved. In addition, the in silico prediction for this alteration is inconclusive. Since supporting evidence is limited at this time, the clinical significance of this alteration remains unclear.

NM_000256.3(MYBPC3):c.2826C>G (p.Phe942Leu)

Gene: MYBPC3 (myosin binding protein C3; minus strand). Cytogenetic location: 11p11.2.
Variant type: single nucleotide variant.
Coding change: c.2826C>G on transcript NM_000256.3 (MANE Select); coding-DNA position 2826, C replaced by G.
Protein change: p.Phe942Leu; replaces phenylalanine 942 with leucine.
Molecular consequence: missense variant.
Genome position (GRCh38, 1-based): chr11:47,335,121, G>C on the plus strand (C>G on the coding strand, the complement: MYBPC3 is on the minus strand). VCF-style: chr11-47335121-G-C. GRCh37 (hg19) VCF-style: chr11-47356672-G-C.
Other names: short protein forms F942L.
Identifiers: ClinVar variation 1796500 (VCV001796500.3), dbSNP rs1203575120, ClinGen allele CA380316366.